The following is an entry in ClinVar:

ClinVar aggregate classification (germline): Uncertain significance. Review status: criteria provided, multiple submitters, no conflicts (2 of 4 stars). 3 submissions from 3 submitters: Uncertain significance (2). 1 of the submissions does not count toward it. Last evaluated 2022-08-17.

Conditions:
Inborn genetic diseases. Identifiers: MedGen C0950123, MeSH D030342.
Autosomal recessive retinitis pigmentosa. Identifiers: MedGen C0339526.

Allele frequency attached by ClinVar (database versions not stated): gnomAD exomes 0.00001; gnomAD 0.00002 and 0.00003; TOPMed 0.00004.
gnomAD v4.1: 49 of 1,550,486 alleles (0.0032%); highest among the groups gnomAD compares: Admixed American, 0.0039%; no homozygotes.

Submissions (3):

Ambry Genetics
Classification: Uncertain significance for Inborn genetic diseases. Last evaluated: 2022-08-17. Review status: criteria provided, single submitter. Criteria: Ambry Variant Classification Scheme 2023. Collection method: clinical testing. Allele origin: germline.

Labcorp Genetics (formerly Invitae), Labcorp
Classification: Uncertain significance. Last evaluated: 2021-08-27. Review status: criteria provided, single submitter. Criteria: Invitae Variant Classification Sherloc (09022015). Collection method: clinical testing. Allele origin: germline.
Comment: This sequence change replaces leucine with valine at codon 924 of the EYS protein (p.Leu924Val). The leucine residue is highly conserved and there is a small physicochemical difference between leucine and valine. This variant is not present in population databases (ExAC no frequency). This variant has not been reported in the literature in individuals affected with EYS-related conditions. Algorithms developed to predict the effect of missense changes on protein structure and function output the following: SIFT: "Tolerated"; PolyPhen-2: "Probably Damaging"; Align-GVGD: "Class C0". The valine amino acid residue is found in multiple mammalian species, which suggests that this missense change does not adversely affect protein function. Algorithms developed to predict the effect of sequence changes on RNA splicing suggest that this variant may create or strengthen a splice site. In summary, the available evidence is currently insufficient to determine the role of this variant in disease. Therefore, it has been classified as a Variant of Uncertain Significance.

Natera, Inc.
Classification: Uncertain significance for Autosomal recessive retinitis pigmentosa. Last evaluated: 2020-10-19. Review status: no assertion criteria provided. Collection method: clinical testing. Allele origin: germline. Not counted in ClinVar's aggregate classification.

NM_001142800.2(EYS):c.2770C>G (p.Leu924Val)

Gene: EYS (eyes shut homolog; minus strand). Cytogenetic location: 6q12.
Variant type: single nucleotide variant.
Coding change: c.2770C>G on transcript NM_001142800.2 (MANE Select); coding-DNA position 2770, C replaced by G.
Protein change: p.Leu924Val; replaces leucine 924 with valine.
Molecular consequence: missense variant.
Genome position (GRCh38, 1-based): chr6:64,902,189, G>C on the plus strand (C>G on the coding strand, the complement: EYS is on the minus strand). VCF-style: chr6-64902189-G-C. GRCh37 (hg19) VCF-style: chr6-65612082-G-C.
Other names: c.2770C>G, p.Leu924Val (NM_001292009.2); c.2770C>G (NM_001142800.1); short protein forms L924V.
Identifiers: ClinVar variation 990483 (VCV000990483.3), dbSNP rs1040002337, ClinGen allele CA140379016.
Genomic context (GRCh38, chr6:64,902,189, plus strand): 5'-CACATGTTCCATTATTTTTGCAAGGTTCAGAGGAACATTCATTAATTTCAATTTCACACA[G>C]AGATCCAGAAAACCCAGGTCTGCAAATACACCTTTTAAACAAAAAATTTAGTAACTCCAT-3'
Protein context (NP_001136272.1, residues 914-934): CICRPGFSGS[Leu924Val]CEIEINECSS